The following is an entry in ClinVar:

NM_001164508.2(NEB):c.16917_16918del (p.Tyr5639_Arg5640delinsTer)

Gene: NEB (nebulin; minus strand). Cytogenetic location: 2q23.3.
Variant type: Deletion.
Coding change: c.16917_16918del on transcript NM_001164508.2 (MANE Select); coding-DNA positions 16917 to 16918, 2 bases deleted (CA; older notation c.16917_16918delCA).
Protein change: p.Tyr5639_Arg5640delinsTer.
Molecular consequence: nonsense.
Genome position (GRCh38, 1-based): chr2:151,575,790-151,575,791, TG deleted on the plus strand (CA on the coding strand, the reverse complement: NEB is on the minus strand); deleting any 2 consecutive bases within chr2:151,575,790-151,575,792 gives the same sequence; the c. name uses the placement nearest the transcript's 3' end. VCF-style (leftmost placement, unchanged base first): chr2-151575789-CTG-C. GRCh37 (hg19) VCF-style: chr2-152432303-CTG-C.
Other names: c.16917_16918del, p.Tyr5639_Arg5640delinsTer (NM_001164507.2, NM_001271208.2); c.11814_11815del, p.Tyr3938_Arg3939delinsTer (NM_004543.5).
Identifiers: ClinVar variation 5006090 (VCV005006090.2).
Genomic context (GRCh38, chr2:151,575,789, plus strand): 5'-TTAATTTCTGGAGTATCTGGCATTATGTGTATTGAAGTTTTATCCTTGTCCCAAACCTCT[CTG>C]TACTTTGGCTGTGGAAAGAAACAAAAATAATAAAATTACTTCACAATTTTCATGTTGCTA-3'

ClinVar aggregate classification (germline): Likely pathogenic (1 of 4 stars; one submission).

Conditions:
Arthrogryposis multiplex congenita 6. Identifiers: MedGen C5543431, MONDO:0030281, OMIM 619334.
Nemaline myopathy 2 (NEM2). Also called: Nemaline myopathy 2, autosomal recessive. Identifiers: MedGen C1850569, MONDO:0009725, OMIM 256030.

Submission:

Juno Genomics, Hangzhou Juno Genomics, Inc
Classification: Likely pathogenic for Nemaline myopathy 2; Arthrogryposis multiplex congenita 6. Review status: criteria provided, single submitter. Criteria: ACMG Guidelines, 2015. Collection method: clinical testing. Allele origin: germline.
Comment: Null variant in a gene where loss of function (LOF) is a known mechanism of disease.;Absent from controls (or at extremely low frequency if recessive) in Genome Aggregation Database.